The following is an entry in ClinVar:

NM_002448.3(MSX1):c.527G>A (p.Arg176Gln)

Gene: MSX1 (msh homeobox 1; plus strand). Cytogenetic location: 4p16.2.
Variant type: single nucleotide variant.
Coding change: c.527G>A on transcript NM_002448.3 (MANE Select); coding-DNA position 527, G replaced by A.
Protein change: p.Arg176Gln; replaces arginine 176 with glutamine.
Molecular consequence: missense variant.
Genome position (GRCh38, 1-based): chr4:4,862,758, G>A. VCF-style: chr4-4862758-G-A. GRCh37 (hg19) VCF-style: chr4-4864485-G-A.
Other names: short protein forms R176Q.
Identifiers: ClinVar variation 1971993 (VCV001971993.5), dbSNP rs2474113914, ClinGen allele CA356138299.
Genomic context (GRCh38, chr4:4,862,758, plus strand): 5'-CAGGGCGGCTGAGCCCCCCAGCCTGCACCCTCCGCAAACACAAGACGAACCGTAAGCCGC[G>A]GACGCCCTTCACCACCGCGCAGCTGCTGGCGCTGGAGCGCAAGTTCCGCCAGAAGCAGTA-3'
Protein context (NP_002439.2, residues 166-186): LRKHKTNRKP[Arg176Gln]TPFTTAQLLA

ClinVar aggregate classification (germline): Uncertain significance (1 of 4 stars; one submission).

Conditions:
Hypoplastic enamel-onycholysis-hypohidrosis syndrome (TNS). Also called: WITKOP SYNDROME; Tooth-and-Nail Syndrome; ECTODERMAL DYSPLASIA 3, WITKOP TYPE; NAIL DYSPLASIA WITH HYPODONTIA; ECTODERMAL DYSPLASIA 3, TOOTH/NAIL TYPE. Identifiers: Orphanet 2228, MedGen C0406735, MONDO:0008582, OMIM 189500.

Submission:

Labcorp Genetics (formerly Invitae), Labcorp
Classification: Uncertain significance for Hypoplastic enamel-onycholysis-hypohidrosis syndrome. Last evaluated: 2022-05-20. Review status: criteria provided, single submitter. Criteria: Invitae Variant Classification Sherloc (09022015). Collection method: clinical testing. Allele origin: germline.
Comment: In summary, the available evidence is currently insufficient to determine the role of this variant in disease. Therefore, it has been classified as a Variant of Uncertain Significance. Algorithms developed to predict the effect of missense changes on protein structure and function (SIFT, PolyPhen-2, Align-GVGD) all suggest that this variant is likely to be disruptive. This missense change has been observed in individual(s) with clinical features of MSX1-related conditions (Invitae). It has also been observed to segregate with disease in related individuals. This variant is not present in population databases (gnomAD no frequency). This sequence change replaces arginine, which is basic and polar, with glutamine, which is neutral and polar, at codon 176 of the MSX1 protein (p.Arg176Gln).